The following is an entry in ClinVar:

NM_001378778.1(MPDZ):c.3546dup (p.Arg1183fs)

Gene: MPDZ (multiple PDZ domain crumbs cell polarity complex component; minus strand). Cytogenetic location: 9p23.
Variant type: Duplication.
Coding change: c.3546dup on transcript NM_001378778.1 (MANE Select); coding-DNA position 3546, one base duplicated (G; older notation c.3546dupG).
Protein change: p.Arg1183fs; shifts the reading frame from arginine 1183.
Molecular consequence: frameshift variant.
Genome position (GRCh38, 1-based): chr9:13,150,595, C duplicated on the plus strand (G on the coding strand, the reverse complement: MPDZ is on the minus strand). VCF-style (leftmost placement, unchanged base first): chr9-13150594-T-TC. GRCh37 (hg19) VCF-style: chr9-13150593-T-TC.
Other names: c.3546dup, p.Arg1183fs (NM_001261406.2, NM_001261407.2, NM_001330637.2 and 13 more transcripts); c.3348dup, p.Arg1117fs (NM_001375427.1); short protein forms R1117fs, R1183fs.
Identifiers: ClinVar variation 2839987 (VCV002839987.3), dbSNP rs2490785037, ClinGen allele CA2739269158.

ClinVar aggregate classification (germline): Pathogenic (1 of 4 stars; one submission).

Submission:

Labcorp Genetics (formerly Invitae), Labcorp
Classification: Pathogenic. Last evaluated: 2023-02-22. Review status: criteria provided, single submitter. Criteria: Invitae Variant Classification Sherloc (09022015). Collection method: clinical testing. Allele origin: germline.
Comment: For these reasons, this variant has been classified as Pathogenic. This variant has not been reported in the literature in individuals affected with MPDZ-related conditions. This variant is not present in population databases (gnomAD no frequency). This sequence change creates a premature translational stop signal (p.Arg1183Glufs*12) in the MPDZ gene. It is expected to result in an absent or disrupted protein product. Loss-of-function variants in MPDZ are known to be pathogenic (PMID: 23240096, 28556411).

Literature cited by the submitters: PubMed 23240096; PubMed 28556411.